The following is an entry in ClinVar:

NM_030930.4(UNC93B1):c.748C>A (p.Leu250Met)

Gene: UNC93B1 (unc-93B1 regulator of TLR signaling; minus strand). Cytogenetic location: 11q13.2.
Variant type: single nucleotide variant.
Coding change: c.748C>A on transcript NM_030930.4 (MANE Select); coding-DNA position 748, C replaced by A.
Protein change: p.Leu250Met; replaces leucine 250 with methionine.
Molecular consequence: missense variant.
Genome position (GRCh38, 1-based): chr11:67,998,392, G>T on the plus strand (C>A on the coding strand, the complement: UNC93B1 is on the minus strand). VCF-style: chr11-67998392-G-T. GRCh37 (hg19) VCF-style: chr11-67765862-G-T.
Other names: c.748C>A (NM_030930.2); short protein forms L250M.
Identifiers: ClinVar variation 579227 (VCV000579227.6), dbSNP rs758127182, ClinGen allele CA6145538.

ClinVar aggregate classification (germline): Uncertain significance. Review status: criteria provided, multiple submitters, no conflicts (2 of 4 stars). 2 submissions from 2 submitters: Uncertain significance (2). Last evaluated 2023-05-30.

Conditions:
Encephalopathy, acute, infection-induced (herpes-specific), susceptibility to, 1. Also called: Herpes simplex encephalitis, susceptibility to, 1. Identifiers: Orphanet 1930, MedGen C2750180, MONDO:0024563, OMIM 610551.

Allele frequency attached by ClinVar (database versions not stated): ExAC 0.00001; TOPMed 0.00002.

Submissions (2):

Ambry Genetics
Classification: Uncertain significance. Last evaluated: 2023-05-30. Review status: criteria provided, single submitter. Criteria: Ambry Variant Classification Scheme 2023. Collection method: clinical testing. Allele origin: germline.

Labcorp Genetics (formerly Invitae), Labcorp
Classification: Uncertain significance for Encephalopathy, acute, infection-induced (herpes-specific), susceptibility to, 1. Last evaluated: 2022-09-13. Review status: criteria provided, single submitter. Criteria: Invitae Variant Classification Sherloc (09022015). Collection method: clinical testing. Allele origin: germline.
Comment: In summary, the available evidence is currently insufficient to determine the role of this variant in disease. Therefore, it has been classified as a Variant of Uncertain Significance. ClinVar contains an entry for this variant (Variation ID: 579227). This variant has not been reported in the literature in individuals affected with UNC93B1-related conditions. This variant is present in population databases (rs758127182, gnomAD 0.002%). This sequence change replaces leucine, which is neutral and non-polar, with methionine, which is neutral and non-polar, at codon 250 of the UNC93B1 protein (p.Leu250Met).